The following is an entry in ClinVar:

NM_001348716.2(KDM6B):c.2584C>T (p.Gln862Ter)

Gene: KDM6B (lysine demethylase 6B; plus strand). Cytogenetic location: 17p13.1.
Variant type: single nucleotide variant.
Coding change: c.2584C>T on transcript NM_001348716.2 (MANE Select); coding-DNA position 2584, C replaced by T.
Protein change: p.Gln862Ter; replaces glutamine 862 with a stop codon.
Molecular consequence: nonsense.
Genome position (GRCh38, 1-based): chr17:7,848,872, C>T. VCF-style: chr17-7848872-C-T. GRCh37 (hg19) VCF-style: chr17-7752190-C-T.
Other names: c.2584C>T, p.Gln862Ter (NM_001080424.2); short protein forms Q862*.
Identifiers: ClinVar variation 4042396 (VCV004042396.1).
Genomic context (GRCh38, chr17:7,848,872, plus strand): 5'-CCATCAGGTGCTACCGCCCTGCCGCCCACCTCAGCGGCCCCTAGCGCCCAGGGCTCCCCA[C>T]AGCCCTCTGCTTCCTCGTCATCTCAGTTCTCTACCTCAGGCGGGCCCTGGGCCCGGGAGC-3'

ClinVar aggregate classification (germline): Pathogenic (1 of 4 stars; one submission).

Conditions:
Inborn genetic diseases. Identifiers: MedGen C0950123, MeSH D030342.

Submission:

Ambry Genetics
Classification: Pathogenic for Inborn genetic diseases. Last evaluated: 2025-06-13. Review status: criteria provided, single submitter. Criteria: Ambry Variant Classification Scheme 2023. Collection method: clinical testing. Allele origin: germline.
Comment: The c.2584C>T (p.Q862*) alteration, located in exon 11 (coding exon 8) of the KDM6B gene, consists of a C to T substitution at nucleotide position 2584. This changes the amino acid from a glutamine (Q) to a stop codon at amino acid position 862. This alteration is expected to result in loss of function by premature protein truncation or nonsense-mediated mRNA decay. This variant was not reported in population-based cohorts in the Genome Aggregation Database (gnomAD). Based on the available evidence, this alteration is classified as pathogenic.